The following is an entry in ClinVar:

ClinVar aggregate classification (germline): Likely pathogenic. Review status: criteria provided, single submitter (1 of 4 stars). 2 submissions from 2 submitters: Likely pathogenic (1). 1 of the submissions does not count toward it. Last evaluated 2024-11-11.

Conditions:
Developmental and epileptic encephalopathy, 2 (DEE2). Also called: INFANTILE SPASM SYNDROME, X-LINKED 2; CDKL5 deficiency disorder. Identifiers: Orphanet 1934, Orphanet 3451, Orphanet 505652, MedGen C4750718, MONDO:0010396, OMIM 300672.

Submissions (2):

GeneDx
Classification: Likely pathogenic. Last evaluated: 2024-11-11. Review status: criteria provided, single submitter. Criteria: GeneDx Variant Classification Process June 2021. Collection method: clinical testing. Allele origin: germline. Affected: yes.
Comment: Not observed at significant frequency in large population cohorts (gnomAD); In silico analysis indicates that this variant does not alter splicing; This variant is associated with the following publications: (PMID: 31814998, 30293991, 36417806)

Mendelics
Classification: Pathogenic for Developmental and epileptic encephalopathy, 2. Last evaluated: 2015-08-10. Review status: no assertion criteria provided. Collection method: clinical testing. Allele origin: de novo. Affected: yes. Not counted in ClinVar's aggregate classification.

Literature cited by the submitters: PubMed 16611748 (cited by Mendelics).

NM_001323289.2(CDKL5):c.2716C>T (p.Gln906Ter)

Gene: CDKL5 (cyclin dependent kinase like 5; plus strand). Cytogenetic location: Xp22.13.
Variant type: single nucleotide variant.
Coding change: c.2716C>T on transcript NM_001323289.2 (MANE Select); coding-DNA position 2716, C replaced by T.
Protein change: p.Gln906Ter; replaces glutamine 906 with a stop codon.
Molecular consequence: nonsense. On other transcripts: intron variant (2).
Genome position (GRCh38, 1-based): chrX:18,628,590, C>T. VCF-style: chrX-18628590-C-T. GRCh37 (hg19) VCF-style: chrX-18646710-C-T.
Other names: c.2713+3C>T (NM_003159.3, NM_001037343.2); short protein forms Q906*.
Identifiers: ClinVar variation 217874 (VCV000217874.2), dbSNP rs863225289, ClinGen allele CA279638.